The following is an entry in ClinVar:

NM_030928.4(CDT1):c.709G>A (p.Gly237Ser)

Gene: CDT1 (chromatin licensing and DNA replication factor 1; plus strand). Cytogenetic location: 16q24.3.
Variant type: single nucleotide variant.
Coding change: c.709G>A on transcript NM_030928.4 (MANE Select); coding-DNA position 709, G replaced by A.
Protein change: p.Gly237Ser; replaces glycine 237 with serine.
Molecular consequence: missense variant.
Genome position (GRCh38, 1-based): chr16:88,805,746, G>A. VCF-style: chr16-88805746-G-A. GRCh37 (hg19) VCF-style: chr16-88872154-G-A.
Other names: short protein forms G237S.
Identifiers: ClinVar variation 1928350 (VCV001928350.2), dbSNP rs919041444, ClinGen allele CA286417800.
Genomic context (GRCh38, chr16:88,805,746, plus strand): 5'-CCGGGCCTGCCTCCTGAGCCGCCCCCATCCTCCCATAGGCGTTTTGAGGAGTGCAATGTT[G>A]GCCAGATCAAAACCGTGTACCCGGCCTCCTACCGCTTCCGCCAGGAGCGCAGTGTCCCCA-3'
Protein context (NP_112190.2, residues 227-247): MRRRFEECNV[Gly237Ser]QIKTVYPASY

ClinVar aggregate classification (germline): Uncertain significance (1 of 4 stars; one submission).

Allele frequency attached by ClinVar (database versions not stated): gnomAD exomes below 0.00001; gnomAD 0.00003; TOPMed 0.00003.
gnomAD v4.1: 8 of 1,612,930 alleles (0.0005%); highest among the groups gnomAD compares: African/African-American, 0.011%; no homozygotes.

Submission:

Labcorp Genetics (formerly Invitae), Labcorp
Classification: Uncertain significance. Last evaluated: 2022-01-17. Review status: criteria provided, single submitter. Criteria: Invitae Variant Classification Sherloc (09022015). Collection method: clinical testing. Allele origin: germline.
Comment: This sequence change replaces glycine, which is neutral and non-polar, with serine, which is neutral and polar, at codon 237 of the CDT1 protein (p.Gly237Ser). This variant is present in population databases (no rsID available, gnomAD 0.008%). This variant has not been reported in the literature in individuals affected with CDT1-related conditions. Algorithms developed to predict the effect of missense changes on protein structure and function are either unavailable or do not agree on the potential impact of this missense change (SIFT: "Tolerated"; PolyPhen-2: "Probably Damaging"; Align-GVGD: "Class C0"). In summary, the available evidence is currently insufficient to determine the role of this variant in disease. Therefore, it has been classified as a Variant of Uncertain Significance.